The following is an entry in ClinVar:

ClinVar aggregate classification (germline): Uncertain significance (1 of 4 stars; one submission).

Conditions:
EGFR-related lung cancer (EGFR). Identifiers: MedGen CN130014.

Allele frequency attached by ClinVar (database versions not stated): gnomAD exomes below 0.00001; ExAC 0.00001.
gnomAD v4.1: 2 of 1,614,250 alleles (0.00012%); highest among the groups gnomAD compares: South Asian, 0.0022%; no homozygotes.

Submission:

Labcorp Genetics (formerly Invitae), Labcorp
Classification: Uncertain significance for EGFR-related lung cancer. Last evaluated: 2023-04-04. Review status: criteria provided, single submitter. Criteria: Invitae Variant Classification Sherloc (09022015). Collection method: clinical testing. Allele origin: germline.
Comment: In summary, the available evidence is currently insufficient to determine the role of this variant in disease. Therefore, it has been classified as a Variant of Uncertain Significance. Advanced modeling of protein sequence and biophysical properties (such as structural, functional, and spatial information, amino acid conservation, physicochemical variation, residue mobility, and thermodynamic stability) performed at Invitae indicates that this missense variant is not expected to disrupt EGFR protein function. This variant has not been reported in the literature in individuals affected with EGFR-related conditions. This variant is present in population databases (rs770466526, gnomAD 0.003%). This sequence change replaces asparagine, which is neutral and polar, with serine, which is neutral and polar, at codon 413 of the EGFR protein (p.Asn413Ser).

NM_005228.5(EGFR):c.1238A>G (p.Asn413Ser)

Gene: EGFR (epidermal growth factor receptor; plus strand). Cytogenetic location: 7p11.2.
Variant type: single nucleotide variant.
Coding change: c.1238A>G on transcript NM_005228.5 (MANE Select); coding-DNA position 1238, A replaced by G.
Protein change: p.Asn413Ser; replaces asparagine 413 with serine.
Molecular consequence: missense variant.
Genome position (GRCh38, 1-based): chr7:55,157,693, A>G. VCF-style: chr7-55157693-A-G. GRCh37 (hg19) VCF-style: chr7-55225386-A-G.
Other names: c.1103A>G, p.Asn368Ser (NM_001346897.2, NM_001346899.2); c.1238A>G, p.Asn413Ser (NM_001346898.2, NM_201282.2, NM_201284.2); c.1079A>G, p.Asn360Ser (NM_001346900.2); c.437A>G, p.Asn146Ser (NM_001346941.2); short protein forms N360S, N146S, N368S, N413S.
Identifiers: ClinVar variation 2851944 (VCV002851944.3), dbSNP rs770466526, ClinGen allele CA4265533.
Genomic context (GRCh38, chr7:55,157,693, plus strand): 5'-TGTGTCTGAAGTCTTTCATCTGCCTTACAGGGTTTTTGCTGATTCAGGCTTGGCCTGAAA[A>G]CAGGACGGACCTCCATGCCTTTGAGAACCTAGAAATCATACGCGGCAGGACCAAGCAACA-3'
Protein context (NP_005219.2, residues 403-423): GFLLIQAWPE[Asn413Ser]RTDLHAFENL